The following is an entry in ClinVar:

NM_002299.4(LCT):c.2629C>G (p.Pro877Ala)

Gene: LCT (lactase; minus strand). Cytogenetic location: 2q21.3.
Variant type: single nucleotide variant.
Coding change: c.2629C>G on transcript NM_002299.4 (MANE Select); coding-DNA position 2629, C replaced by G.
Protein change: p.Pro877Ala; replaces proline 877 with alanine.
Molecular consequence: missense variant.
Genome position (GRCh38, 1-based): chr2:135,809,718, G>C on the plus strand (C>G on the coding strand, the complement: LCT is on the minus strand). VCF-style: chr2-135809718-G-C. GRCh37 (hg19) VCF-style: chr2-136567288-G-C.
Other names: short protein forms P877A.
Identifiers: ClinVar variation 1920019 (VCV001920019.4), dbSNP rs375320074, ClinGen allele CA1888191.

ClinVar aggregate classification (germline): Uncertain significance. Review status: criteria provided, multiple submitters, no conflicts (2 of 4 stars). 2 submissions from 2 submitters: Uncertain significance (2). Last evaluated 2024-10-03.

Allele frequency attached by ClinVar (database versions not stated): gnomAD exomes below 0.00001; ExAC 0.00002; gnomAD 0.00003; TOPMed 0.00004; ESP Exome Variant Server 0.00008.
gnomAD v4.1: 10 of 1,614,158 alleles (0.00062%); highest among the groups gnomAD compares: African/African-American, 0.0053%; no homozygotes.

Submissions (2):

Blueprint Genetics
Classification: Uncertain significance. Last evaluated: 2024-10-03. Review status: criteria provided, single submitter. Criteria: ACMG Guidelines, 2015. Collection method: clinical testing. Allele origin: germline.

Labcorp Genetics (formerly Invitae), Labcorp
Classification: Uncertain significance. Last evaluated: 2022-07-26. Review status: criteria provided, single submitter. Criteria: Invitae Variant Classification Sherloc (09022015). Collection method: clinical testing. Allele origin: germline.
Comment: Algorithms developed to predict the effect of missense changes on protein structure and function are either unavailable or do not agree on the potential impact of this missense change (SIFT: "Not Available"; PolyPhen-2: "Possibly Damaging"; Align-GVGD: "Not Available"). In summary, the available evidence is currently insufficient to determine the role of this variant in disease. Therefore, it has been classified as a Variant of Uncertain Significance. This variant has not been reported in the literature in individuals affected with LCT-related conditions. This variant is present in population databases (rs375320074, gnomAD 0.008%). This sequence change replaces proline with alanine at codon 877 of the LCT protein (p.Pro877Ala). The proline residue is highly conserved and there is a small physicochemical difference between proline and alanine.